The following is an entry in ClinVar:

NM_001723.7(DST):c.4321C>T (p.Leu1441Phe)

Gene: DST (dystonin; minus strand). Cytogenetic location: 6p12.1.
Variant type: single nucleotide variant.
Coding change: c.4321C>T on transcript NM_001723.7 (MANE Plus Clinical); coding-DNA position 4321, C replaced by T.
Protein change: p.Leu1441Phe; replaces leucine 1441 with phenylalanine.
Molecular consequence: missense variant. On other transcripts: intron variant (10).
Genome position (GRCh38, 1-based): chr6:56,619,713, G>A on the plus strand (C>T on the coding strand, the complement: DST is on the minus strand). VCF-style: chr6-56619713-G-A. GRCh37 (hg19) VCF-style: chr6-56484511-G-A.
Other names: c.4830+4817C>T (NM_001144769.5); c.4929+4817C>T (NM_001374722.1, NM_001374736.1); c.4956+4817C>T (NM_001374734.1); c.4416+4817C>T (NM_001144770.2); c.4296+4817C>T (NM_001374730.1, NM_001386100.1, NM_183380.4 and 1 more transcripts); c.3318+4817C>T (NM_015548.5); short protein forms L1441F.
Identifiers: ClinVar variation 1938112 (VCV001938112.4), dbSNP rs770631196, ClinGen allele CA3870554.

ClinVar aggregate classification (germline): Uncertain significance (1 of 4 stars; one submission).

Conditions:
Hereditary sensory and autonomic neuropathy type 6. Also called: HSAN VI; Neuropathy, hereditary sensory and autonomic, type VI. Identifiers: Orphanet 314381, MedGen C3539003, MONDO:0013839, OMIM 614653.
Epidermolysis bullosa simplex 3, localized or generalized intermediate, with BP230 deficiency (EBS3). Also called: Epidermolysis bullosa simplex, autosomal recessive 2; Epidermolysis bullosa simplex due to BP230 deficiency. Identifiers: Orphanet 412181, MedGen C3809470, MONDO:0014180, OMIM 615425.

Allele frequency attached by ClinVar (database versions not stated): gnomAD 0.00001; TOPMed 0.00005.
gnomAD v4.1: 12 of 1,613,878 alleles (0.00074%); highest among the groups gnomAD compares: Admixed American, 0.0083%; no homozygotes.

Submission:

Labcorp Genetics (formerly Invitae), Labcorp
Classification: Uncertain significance for Epidermolysis bullosa simplex 3, localized or generalized intermediate, with BP230 deficiency; Hereditary sensory and autonomic neuropathy type 6. Last evaluated: 2023-08-17. Review status: criteria provided, single submitter. Criteria: Invitae Variant Classification Sherloc (09022015). Collection method: clinical testing. Allele origin: germline.
Comment: This sequence change replaces leucine, which is neutral and non-polar, with phenylalanine, which is neutral and non-polar, at codon 1441 of the DST protein (p.Leu1441Phe). This variant is present in population databases (rs770631196, gnomAD 0.006%). This variant has not been reported in the literature in individuals affected with DST-related conditions. In summary, the available evidence is currently insufficient to determine the role of this variant in disease. Therefore, it has been classified as a Variant of Uncertain Significance. An algorithm developed to predict the effect of missense changes on protein structure and function (PolyPhen-2) suggests that this variant is likely to be disruptive. ClinVar contains an entry for this variant (Variation ID: 1938112).